The following is an entry in ClinVar:

ClinVar aggregate classification (germline): Uncertain significance (1 of 4 stars; one submission).

Conditions:
Curry-Hall syndrome (WAD). Also called: WEYERS ACRODENTAL DYSOSTOSIS. Identifiers: Orphanet 952, MedGen C0457013, MONDO:0008673, OMIM 193530.
Ellis-van Creveld syndrome (EVC). Also called: EVC-Related Ellis-van Creveld Syndrome; EVC2-Related Ellis-van Creveld Syndrome; Chondroectodermal dysplasia; MESOECTODERMAL DYSPLASIA. Identifiers: Orphanet 289, MedGen C0013903, MONDO:0009162, OMIM 225500.

Allele frequency attached by ClinVar (database versions not stated): gnomAD 0.00001.
gnomAD v4.1: 1 of 1,614,094 alleles (0.000062%); highest among the groups gnomAD compares: Non-Finnish European, 0.000085%; no homozygotes.

Submission:

Labcorp Genetics (formerly Invitae), Labcorp
Classification: Uncertain significance for Curry-Hall syndrome; Ellis-van Creveld syndrome. Last evaluated: 2022-08-01. Review status: criteria provided, single submitter. Criteria: Invitae Variant Classification Sherloc (09022015). Collection method: clinical testing. Allele origin: germline.
Comment: In summary, the available evidence is currently insufficient to determine the role of this variant in disease. Therefore, it has been classified as a Variant of Uncertain Significance. Algorithms developed to predict the effect of missense changes on protein structure and function output the following: SIFT: "Tolerated"; PolyPhen-2: "Benign"; Align-GVGD: "Class C0". The serine amino acid residue is found in multiple mammalian species, which suggests that this missense change does not adversely affect protein function. This variant has not been reported in the literature in individuals affected with EVC2-related conditions. This variant is not present in population databases (gnomAD no frequency). This sequence change replaces asparagine, which is neutral and polar, with serine, which is neutral and polar, at codon 389 of the EVC2 protein (p.Asn389Ser).

NM_147127.5(EVC2):c.1166A>G (p.Asn389Ser)

Genes: EVC2 (EvC ciliary complex subunit 2; minus strand), LOC126806961 (BRD4-independent group 4 enhancer GRCh37_chr4:5641443-5642642; plus strand). Cytogenetic location: 4p16.2.
Variant type: single nucleotide variant.
Coding change: c.1166A>G on transcript NM_147127.5 (MANE Select); coding-DNA position 1166, A replaced by G.
Protein change: p.Asn389Ser; replaces asparagine 389 with serine.
Molecular consequence: missense variant.
Genome position (GRCh38, 1-based): chr4:5,640,818, T>C on the plus strand (A>G on the coding strand, the complement: EVC2 is on the minus strand). VCF-style: chr4-5640818-T-C. GRCh37 (hg19) VCF-style: chr4-5642545-T-C.
Other names: c.926A>G, p.Asn309Ser (NM_001166136.2); short protein forms N389S, N309S.
Identifiers: ClinVar variation 1916831 (VCV001916831.5), dbSNP rs1717277779, ClinGen allele CA356152524.